The following is an entry in ClinVar:

NM_022114.4(PRDM16):c.3348G>C (p.Glu1116Asp)

Gene: PRDM16 (PR/SET domain 16; plus strand). Cytogenetic location: 1p36.32.
Variant type: single nucleotide variant.
Coding change: c.3348G>C on transcript NM_022114.4 (MANE Select); coding-DNA position 3348, G replaced by C.
Protein change: p.Glu1116Asp; replaces glutamic acid 1116 with aspartic acid.
Molecular consequence: missense variant.
Genome position (GRCh38, 1-based): chr1:3,430,935, G>C. VCF-style: chr1-3430935-G-C. GRCh37 (hg19) VCF-style: chr1-3347499-G-C.
Other names: c.3348G>C, p.Glu1116Asp (NM_199454.3); short protein forms E1116D.
Identifiers: ClinVar variation 2115481 (VCV002115481.4), dbSNP rs1408154473, ClinGen allele CA338003854.

ClinVar aggregate classification (germline): Uncertain significance (1 of 4 stars; one submission).

Conditions:
Left ventricular noncompaction 8 (LVNC8). Identifiers: Orphanet 154, Orphanet 54260, MedGen C3809288, MONDO:0014152, OMIM 615373.

gnomAD v4.1: 1 of 1,614,142 alleles (0.000062%); highest among the groups gnomAD compares: Non-Finnish European, 0.000085%; no homozygotes.

Submission:

Labcorp Genetics (formerly Invitae), Labcorp
Classification: Uncertain significance for Left ventricular noncompaction 8. Last evaluated: 2022-03-21. Review status: criteria provided, single submitter. Criteria: Invitae Variant Classification Sherloc (09022015). Collection method: clinical testing. Allele origin: germline.
Comment: This sequence change replaces glutamic acid, which is acidic and polar, with aspartic acid, which is acidic and polar, at codon 1116 of the PRDM16 protein (p.Glu1116Asp). This variant is present in population databases (no rsID available, gnomAD 0.0009%). This variant has not been reported in the literature in individuals affected with PRDM16-related conditions. Algorithms developed to predict the effect of missense changes on protein structure and function (SIFT, PolyPhen-2, Align-GVGD) all suggest that this variant is likely to be tolerated. In summary, the available evidence is currently insufficient to determine the role of this variant in disease. Therefore, it has been classified as a Variant of Uncertain Significance.